The following is an entry in ClinVar:

ClinVar aggregate classification (germline): Pathogenic/Likely pathogenic. Review status: criteria provided, multiple submitters, no conflicts (2 of 4 stars). 3 submissions from 3 submitters: Pathogenic (1); Likely pathogenic (2). Last evaluated 2024-08-13.

Conditions:
Odonto-onycho-dermal dysplasia. Identifiers: Orphanet 2721, MedGen C0796093, MONDO:0009773, OMIM 257980.
Schöpf-Schulz-Passarge syndrome. Also called: SchC6pf-Schulz-Passarge syndrome; ECCRINE TUMORS WITH ECTODERMAL DYSPLASIA; KERATOSIS PALMOPLANTARIS WITH CYSTIC EYELIDS, HYPODONTIA, AND HYPOTRICHOSIS. Identifiers: Orphanet 50944, MedGen C1857069, MONDO:0009145, OMIM 224750.
Tooth agenesis, selective, 4 (STHAG4). Also called: TOOTH AGENESIS, SELECTIVE, 4, WITH OR WITHOUT ECTODERMAL DYSPLASIA; LATERAL INCISORS, ABSENCE OF; LATERAL INCISORS, PEGGED OR MISSING; SUCCEDANEOUS TEETH, AGENESIS OF. Identifiers: Orphanet 99798, MedGen C1835492, MONDO:0007881, OMIM 150400. Disease mechanism: loss of function.

Submissions (3):

Labcorp Genetics (formerly Invitae), Labcorp
Classification: Pathogenic for Tooth agenesis, selective, 4; Odonto-onycho-dermal dysplasia. Last evaluated: 2024-08-13. Review status: criteria provided, single submitter. Criteria: Invitae Variant Classification Sherloc (09022015). Collection method: clinical testing. Allele origin: germline.
Comment: This sequence change creates a premature translational stop signal (p.Gln278*) in the WNT10A gene. While this is not anticipated to result in nonsense mediated decay, it is expected to disrupt the last 140 amino acid(s) of the WNT10A protein. This variant is not present in population databases (gnomAD no frequency). This variant has not been reported in the literature in individuals affected with WNT10A-related conditions. ClinVar contains an entry for this variant (Variation ID: 1074378). Algorithms developed to predict the effect of sequence changes on RNA splicing suggest that this variant may create or strengthen a splice site. This variant disrupts a region of the WNT10A protein in which other variant(s) (p.Glu390*) have been determined to be pathogenic (PMID: 24902757; Invitae). This suggests that this is a clinically significant region of the protein, and that variants that disrupt it are likely to be disease-causing. For these reasons, this variant has been classified as Pathogenic.

Fulgent Genetics
Classification: Likely pathogenic for Tooth agenesis, selective, 4; Schöpf-Schulz-Passarge syndrome; Odonto-onycho-dermal dysplasia. Last evaluated: 2024-04-20. Review status: criteria provided, single submitter. Criteria: ACMG Guidelines, 2015. Collection method: clinical testing. Allele origin: germline.

Natera, Inc.
Classification: Likely pathogenic for Schopf-Schulz-Passarge syndrome. Last evaluated: 2024-03-19. Review status: criteria provided, single submitter. Criteria: Natera Variant Classification Schema (03/2026). Collection method: clinical testing. Allele origin: germline.
Comment: The c.832C>T variant in WNT10A is a nonsense variant predicted to introduce a stop codon at amino acid 278. This variant is expected to result in nonsense mediated decay, truncation, or a dysfunctional protein product. This variant is rare in the general population with a frequency below the threshold expected for the associated phenotype(s). Given the available evidence, this variant is classified as Likely Pathogenic.

Literature cited by the submitters: PubMed 24902757 (cited by Labcorp Genetics (formerly Invitae), Labcorp).

NM_025216.3(WNT10A):c.832C>T (p.Gln278Ter)

Gene: WNT10A (Wnt family member 10A; plus strand). Cytogenetic location: 2q35.
Variant type: single nucleotide variant.
Coding change: c.832C>T on transcript NM_025216.3 (MANE Select); coding-DNA position 832, C replaced by T.
Protein change: p.Gln278Ter; replaces glutamine 278 with a stop codon.
Molecular consequence: nonsense.
Genome position (GRCh38, 1-based): chr2:218,892,849, C>T. VCF-style: chr2-218892849-C-T. GRCh37 (hg19) VCF-style: chr2-219757571-C-T.
Other names: c.832C>T (NM_025216.2); short protein forms Q278*.
Identifiers: ClinVar variation 1074378 (VCV001074378.11), dbSNP rs2106018205, ClinGen allele CA350589738.